The following is an entry in ClinVar:

ClinVar aggregate classification (germline): Uncertain significance (1 of 4 stars; one submission).

Conditions:
Cardiovascular phenotype. Identifiers: MedGen CN230736.

Submission:

Ambry Genetics
Classification: Uncertain significance for Cardiovascular phenotype. Last evaluated: 2024-09-06. Review status: criteria provided, single submitter. Criteria: Ambry Variant Classification Scheme 2023. Collection method: clinical testing. Allele origin: germline.
Comment: The p.T30I variant (also known as c.89C>T), located in coding exon 2 of the EMD gene, results from a C to T substitution at nucleotide position 89. The threonine at codon 30 is replaced by isoleucine, an amino acid with similar properties. This amino acid position is highly conserved in available vertebrate species. In addition, this alteration is predicted to be deleterious by in silico analysis. Based on the available evidence, the clinical significance of this variant remains unclear.

NM_000117.3(EMD):c.89C>T (p.Thr30Ile)

Gene: EMD (emerin; plus strand). Cytogenetic location: Xq28.
Variant type: single nucleotide variant.
Coding change: c.89C>T on transcript NM_000117.3 (MANE Select); coding-DNA position 89, C replaced by T.
Protein change: p.Thr30Ile; replaces threonine 30 with isoleucine.
Molecular consequence: missense variant.
Genome position (GRCh38, 1-based): chrX:154,379,696, C>T. VCF-style: chrX-154379696-C-T. GRCh37 (hg19) VCF-style: chrX-153608056-C-T.
Other names: short protein forms T30I.
Identifiers: ClinVar variation 3508173 (VCV003508173.1).
Genomic context (GRCh38, chrX:154,379,696, plus strand): 5'-CCTCCCCGCGCGCCTTCCCCGGCCCGCGGCCCTGACCGCCCCGTGTCCGGCCAGGATCAA[C>T]TCGTAGGCTTTACGAGAAGAAGATCTTCGAGTACGAGACCCAGAGGCGGCGGCTCTCGCC-3'
Protein context (NP_000108.1, residues 20-40): NIPHGPVVGS[Thr30Ile]RRLYEKKIFE